The following is an entry in ClinVar:

NC_000023.10:g.(?_32519852)_(32536268_?)dup

Gene: DMD (dystrophin; minus strand). Cytogenetic location: Xp21.1.
Variant type: Duplication.
Identifiers: ClinVar variation 2424956 (VCV002424956.5).

ClinVar aggregate classification (germline): Likely pathogenic (1 of 4 stars; one submission).

Conditions:
Duchenne muscular dystrophy (DMD). Also called: Duchenne Muscular Dystrophy (DMD); MUSCULAR DYSTROPHY, PSEUDOHYPERTROPHIC PROGRESSIVE, DUCHENNE TYPE. Identifiers: Orphanet 98896, MedGen C0013264, MONDO:0010679, OMIM 310200.

Submission:

Labcorp Genetics (formerly Invitae), Labcorp
Classification: Likely pathogenic for Duchenne muscular dystrophy. Last evaluated: 2022-05-29. Review status: criteria provided, single submitter. Criteria: Invitae Variant Classification Sherloc (09022015). Collection method: clinical testing. Allele origin: germline.
Comment: In summary, the currently available evidence indicates that the variant is pathogenic, but additional data are needed to prove that conclusively. Therefore, this variant has been classified as Likely Pathogenic. A similar copy number variant has been observed in individual(s) with family history of Duchenne muscular dystrophy (PMID: 28181689). This variant results in a copy number gain of the genomic region encompassing exon(s) 18-19 of the DMD gene. While the exact position of this variant cannot be determined from the data, sub-genic copy number gains are generally in tandem (PMID: 25640679). This variant is predicted to be out-of-frame, and may result in an absent or disrupted protein product. Loss-of-function variants in DMD are known to be pathogenic (PMID: 16770791, 25007885).

Literature cited by the submitters: PubMed 28181689; PubMed 25640679; PubMed 16770791; PubMed 25007885.